The following is an entry in ClinVar:

ClinVar aggregate classification (germline): Uncertain significance. Review status: criteria provided, multiple submitters, no conflicts (2 of 4 stars). 2 submissions from 2 submitters: Uncertain significance (2). Last evaluated 2025-01-19.

Conditions:
Inborn genetic diseases. Identifiers: MedGen C0950123, MeSH D030342.

Allele frequency attached by ClinVar (database versions not stated): TOPMed 0.00001.
gnomAD v4.1: 4 of 1,613,908 alleles (0.00025%); no homozygotes.

Submissions (2):

Labcorp Genetics (formerly Invitae), Labcorp
Classification: Uncertain significance. Last evaluated: 2025-01-19. Review status: criteria provided, single submitter. Criteria: Invitae Variant Classification Sherloc (09022015). Collection method: clinical testing. Allele origin: germline.
Comment: This sequence change replaces arginine, which is basic and polar, with lysine, which is basic and polar, at codon 684 of the SCN3A protein (p.Arg684Lys). This variant is not present in population databases (gnomAD no frequency). This variant has not been reported in the literature in individuals affected with SCN3A-related conditions. ClinVar contains an entry for this variant (Variation ID: 956275). Invitae Evidence Modeling of protein sequence and biophysical properties (such as structural, functional, and spatial information, amino acid conservation, physicochemical variation, residue mobility, and thermodynamic stability) indicates that this missense variant is not expected to disrupt SCN3A protein function with a negative predictive value of 95%. In summary, the available evidence is currently insufficient to determine the role of this variant in disease. Therefore, it has been classified as a Variant of Uncertain Significance.

Ambry Genetics
Classification: Uncertain significance for Inborn genetic diseases. Last evaluated: 2024-07-16. Review status: criteria provided, single submitter. Criteria: Ambry Variant Classification Scheme 2023. Collection method: clinical testing. Allele origin: germline.

NM_006922.4(SCN3A):c.2051G>A (p.Arg684Lys)

Gene: SCN3A (sodium voltage-gated channel alpha subunit 3; minus strand). Cytogenetic location: 2q24.3.
Variant type: single nucleotide variant.
Coding change: c.2051G>A on transcript NM_006922.4 (MANE Select); coding-DNA position 2051, G replaced by A.
Protein change: p.Arg684Lys; replaces arginine 684 with lysine.
Molecular consequence: missense variant.
Genome position (GRCh38, 1-based): chr2:165,139,577, C>T on the plus strand (G>A on the coding strand, the complement: SCN3A is on the minus strand). VCF-style: chr2-165139577-C-T. GRCh37 (hg19) VCF-style: chr2-165996087-C-T.
Other names: c.1904G>A, p.Arg635Lys (NM_001081676.2, NM_001081677.2); short protein forms R684K, R635K.
Identifiers: ClinVar variation 956275 (VCV000956275.10), dbSNP rs943934294, ClinGen allele CA59741222.